The following is an entry in ClinVar:

ClinVar aggregate classification (germline): Uncertain significance (1 of 4 stars; one submission).

Allele frequency attached by ClinVar (database versions not stated): gnomAD exomes below 0.00001.
gnomAD v4.1: 1 of 1,614,072 alleles (0.000062%); highest among the groups gnomAD compares: Non-Finnish European, 0.000085%; no homozygotes.

Submission:

Labcorp Genetics (formerly Invitae), Labcorp
Classification: Uncertain significance. Last evaluated: 2021-10-12. Review status: criteria provided, single submitter. Criteria: Invitae Variant Classification Sherloc (09022015). Collection method: clinical testing. Allele origin: germline.
Comment: This variant is not present in population databases (ExAC no frequency). This sequence change replaces isoleucine with phenylalanine at codon 71 of the SLC39A7 protein (p.Ile71Phe). The isoleucine residue is weakly conserved and there is a small physicochemical difference between isoleucine and phenylalanine. This variant has not been reported in the literature in individuals affected with SLC39A7-related conditions. Algorithms developed to predict the effect of missense changes on protein structure and function output the following: SIFT: "Tolerated"; PolyPhen-2: "Not Available"; Align-GVGD: "Class C0". The phenylalanine amino acid residue is found in multiple mammalian species, which suggests that this missense change does not adversely affect protein function. In summary, the available evidence is currently insufficient to determine the role of this variant in disease. Therefore, it has been classified as a Variant of Uncertain Significance.

NM_006979.3(SLC39A7):c.211A>T (p.Ile71Phe)

Gene: SLC39A7 (solute carrier family 39 member 7; plus strand). Cytogenetic location: 6p21.32.
Variant type: single nucleotide variant.
Coding change: c.211A>T on transcript NM_006979.3 (MANE Select); coding-DNA position 211, A replaced by T.
Protein change: p.Ile71Phe; replaces isoleucine 71 with phenylalanine.
Molecular consequence: missense variant. On other transcripts: intron variant (1).
Genome position (GRCh38, 1-based): chr6:33,201,456, A>T. VCF-style: chr6-33201456-A-T. GRCh37 (hg19) VCF-style: chr6-33169233-A-T.
Other names: c.211A>T, p.Ile71Phe (NM_001077516.2); c.52+68A>T (NM_001288777.2); short protein forms I71F.
Identifiers: ClinVar variation 1524825 (VCV001524825.6), dbSNP rs1210813358, ClinGen allele CA363635444.